The following is an entry in ClinVar:

NM_000426.4(LAMA2):c.4498G>A (p.Gly1500Arg)

Gene: LAMA2 (laminin subunit alpha 2; plus strand). Cytogenetic location: 6q22.33.
Variant type: single nucleotide variant.
Coding change: c.4498G>A on transcript NM_000426.4 (MANE Select); coding-DNA position 4498, G replaced by A.
Protein change: p.Gly1500Arg; replaces glycine 1500 with arginine.
Molecular consequence: missense variant.
Genome position (GRCh38, 1-based): chr6:129,349,359, G>A. VCF-style: chr6-129349359-G-A. GRCh37 (hg19) VCF-style: chr6-129670504-G-A.
Other names: c.4498G>A, p.Gly1500Arg (NM_001079823.2); c.4498G>A (NM_000426.3); short protein forms G1500R.
Identifiers: ClinVar variation 1040789 (VCV001040789.9), dbSNP rs776889674, ClinGen allele CA146907066.
Genomic context (GRCh38, chr6:129,349,359, plus strand): 5'-TTCAGCCCCTCTTGTGTCGCAGAAGGACTTGACGACTACCGCTGCACGGCTTGTCCACGG[G>A]GATATGAAGGCCAGTACTGTGAAAGGTACCAACAGCCATGAAACGTACAGAGTAATGATA-3'
Protein context (NP_000417.3, residues 1490-1510): DDYRCTACPR[Gly1500Arg]YEGQYCERCA

ClinVar aggregate classification (germline): Uncertain significance. Review status: criteria provided, multiple submitters, no conflicts (2 of 4 stars). 4 submissions from 4 submitters: Uncertain significance (4). Last evaluated 2025-07-02.

Conditions:
Inborn genetic diseases. Identifiers: MedGen C0950123, MeSH D030342.
LAMA2-related muscular dystrophy (LAMA2-RD). Also called: Laminin alpha 2-related dystrophy. Identifiers: MedGen C5679788, MONDO:0100228.

Allele frequency attached by ClinVar (database versions not stated): TOPMed 0.00010; gnomAD 0.00011 and 0.00012.
gnomAD v4.1: 29 of 1,613,318 alleles (0.0018%); highest among the groups gnomAD compares: Admixed American, 0.047%; no homozygotes.

Submissions (4):

Ambry Genetics
Classification: Uncertain significance for Inborn genetic diseases. Last evaluated: 2025-07-02. Review status: criteria provided, single submitter. Criteria: Ambry Variant Classification Scheme 2023. Collection method: clinical testing. Allele origin: germline.

Labcorp Genetics (formerly Invitae), Labcorp
Classification: Uncertain significance for LAMA2-related muscular dystrophy. Last evaluated: 2024-12-17. Review status: criteria provided, single submitter. Criteria: Invitae Variant Classification Sherloc (09022015). Collection method: clinical testing. Allele origin: germline.
Comment: This sequence change replaces glycine, which is neutral and non-polar, with arginine, which is basic and polar, at codon 1500 of the LAMA2 protein (p.Gly1500Arg). This variant is present in population databases (no rsID available, gnomAD 0.03%). This variant has not been reported in the literature in individuals affected with LAMA2-related conditions. ClinVar contains an entry for this variant (Variation ID: 1040789). Invitae Evidence Modeling of protein sequence and biophysical properties (such as structural, functional, and spatial information, amino acid conservation, physicochemical variation, residue mobility, and thermodynamic stability) indicates that this missense variant is not expected to disrupt LAMA2 protein function with a negative predictive value of 95%. In summary, the available evidence is currently insufficient to determine the role of this variant in disease. Therefore, it has been classified as a Variant of Uncertain Significance.

Blueprint Genetics
Classification: Uncertain significance. Last evaluated: 2022-10-26. Review status: criteria provided, single submitter. Criteria: ACMG Guidelines, 2015. Collection method: clinical testing. Allele origin: germline.

Revvity Omics, Revvity
Classification: Uncertain significance. Last evaluated: 2019-08-30. Review status: criteria provided, single submitter. Criteria: ACMG Guidelines, 2015. Collection method: clinical testing. Allele origin: germline.